The following is an entry in ClinVar:

NM_130466.4(UBE3B):c.1922T>C (p.Leu641Pro)

Gene: UBE3B (ubiquitin protein ligase E3B; plus strand). Cytogenetic location: 12q24.11.
Variant type: single nucleotide variant.
Coding change: c.1922T>C on transcript NM_130466.4 (MANE Select); coding-DNA position 1922, T replaced by C.
Protein change: p.Leu641Pro; replaces leucine 641 with proline.
Molecular consequence: missense variant.
Genome position (GRCh38, 1-based): chr12:109,511,269, T>C. VCF-style: chr12-109511269-T-C. GRCh37 (hg19) VCF-style: chr12-109949074-T-C.
Other names: c.1922T>C, p.Leu641Pro (NM_183415.3); short protein forms L641P.
Identifiers: ClinVar variation 2405549 (VCV002405549.4), dbSNP rs573156019, ClinGen allele CA6778039.

ClinVar aggregate classification (germline): Uncertain significance. Review status: criteria provided, multiple submitters, no conflicts (2 of 4 stars). 2 submissions from 2 submitters: Uncertain significance (2). Last evaluated 2025-07-22.

Conditions:
Inborn genetic diseases. Identifiers: MedGen C0950123, MeSH D030342.

Allele frequency attached by ClinVar (database versions not stated): ExAC 0.00001; gnomAD exomes 0.00002; gnomAD 0.00004; TOPMed 0.00010; 1000 Genomes Project 30x 0.00016; 1000 Genomes Project 0.00020.
gnomAD v4.1: 36 of 1,614,202 alleles (0.0022%); highest among the groups gnomAD compares: Middle Eastern, 0.016%; no homozygotes.

Submissions (2):

Labcorp Genetics (formerly Invitae), Labcorp
Classification: Uncertain significance. Last evaluated: 2025-07-22. Review status: criteria provided, single submitter. Criteria: Invitae Variant Classification Sherloc (09022015). Collection method: clinical testing. Allele origin: germline.
Comment: This sequence change replaces leucine, which is neutral and non-polar, with proline, which is neutral and non-polar, at codon 641 of the UBE3B protein (p.Leu641Pro). This variant is present in population databases (rs573156019, gnomAD 0.01%). This variant has not been reported in the literature in individuals affected with UBE3B-related conditions. ClinVar contains an entry for this variant (Variation ID: 2405549). Invitae Evidence Modeling of protein sequence and biophysical properties (such as structural, functional, and spatial information, amino acid conservation, physicochemical variation, residue mobility, and thermodynamic stability) has been performed for this missense variant. However, the output from this modeling did not meet the statistical confidence thresholds required to predict the impact of this variant on UBE3B protein function. In summary, the available evidence is currently insufficient to determine the role of this variant in disease. Therefore, it has been classified as a Variant of Uncertain Significance.

Ambry Genetics
Classification: Uncertain significance for Inborn genetic diseases. Last evaluated: 2025-03-30. Review status: criteria provided, single submitter. Criteria: Ambry Variant Classification Scheme 2023. Collection method: clinical testing. Allele origin: germline.